The following is an entry in ClinVar:

ClinVar aggregate classification (germline): Benign (1 of 4 stars; one submission).

Allele frequency attached by ClinVar (database versions not stated): 1000 Genomes Project 0.96346; 1000 Genomes Project 30x 0.96362; TOPMed 0.97706; gnomAD 0.98493 and 0.98655.
gnomAD v4.1: 150,021 of 152,312 alleles (98%); highest among the groups gnomAD compares: Middle Eastern, 100%; 73,984 homozygotes.

Submission:

GeneDx
Classification: Benign. Last evaluated: 2018-06-14. Review status: criteria provided, single submitter. Criteria: GeneDx Variant Classification (06012015). Collection method: clinical testing. Allele origin: germline. Affected: yes.
Comment: This variant is considered likely benign or benign based on one or more of the following criteria: it is a conservative change, it occurs at a poorly conserved position in the protein, it is predicted to be benign by multiple in silico algorithms, and/or has population frequency not consistent with disease.

NM_006393.3(NEBL):c.2869-232C>G

Gene: NEBL (nebulette; minus strand). Cytogenetic location: 10p12.31.
Variant type: single nucleotide variant.
Coding change: c.2869-232C>G on transcript NM_006393.3 (MANE Select); 232 bases into the intron before coding-DNA position 2869, C replaced by G.
Molecular consequence: intron variant.
Genome position (GRCh38, 1-based): chr10:20,786,155, G>C on the plus strand (C>G on the coding strand, the complement: NEBL is on the minus strand). VCF-style: chr10-20786155-G-C. GRCh37 (hg19) VCF-style: chr10-21075084-G-C.
Other names: c.529-232C>G (NM_001377326.1, NM_001377327.1, NM_001377328.1); c.637-232C>G (NM_213569.2); c.637-234C>G (NM_001173484.2); c.730-232C>G (NM_001377322.1); c.580-232C>G (NM_001377324.1); c.571-232C>G (NM_001377325.1); c.589-232C>G (NM_001377323.1).
Identifiers: ClinVar variation 678109 (VCV000678109.1), dbSNP rs2765844, ClinGen allele CA203252029.